The following is an entry in ClinVar:

NM_000321.3(RB1):c.1875del (p.Ala626fs)

Gene: RB1 (RB transcriptional corepressor 1; plus strand). Cytogenetic location: 13q14.2.
Variant type: Deletion.
Coding change: c.1875del on transcript NM_000321.3 (MANE Select); coding-DNA position 1875, one base deleted (T; older notation c.1875delT).
Protein change: p.Ala626fs; shifts the reading frame from alanine 626.
Molecular consequence: frameshift variant.
Genome position (GRCh38, 1-based): chr13:48,456,264, T deleted. VCF-style (leftmost placement, unchanged base first): chr13-48456263-CT-C. GRCh37 (hg19) VCF-style: chr13-49030399-CT-C.
Other names: c.1875del, p.Ala626fs (NM_001407165.1); short protein forms A626fs.
Identifiers: ClinVar variation 3237036 (VCV003237036.1), dbSNP rs2542364114.

ClinVar aggregate classification (germline): Pathogenic (1 of 4 stars; one submission).

Conditions:
Retinoblastoma (RB1). Also called: RETINOBLASTOMA, SOMATIC. Identifiers: Orphanet 790, MedGen C0035335, MeSH D012175, MONDO:0008380, OMIM 180200, HP:0009919. Disease mechanism: loss of function. Inheritance: Both sporadic and heritable forms are tested..

Submission:

Genetic Diagnostic Laboratory, University of Pennsylvania School of Medicine
Classification: Pathogenic for Retinoblastoma. Last evaluated: 2024-05-20. Review status: criteria provided, single submitter. Criteria: ACMG Guidelines, 2015. Collection method: clinical testing. Allele origin: germline. Affected: yes. Observed: 1 variant allele.
Comment: Case and Pedigree Information: BILATERAL CASES:1, UNILATERAL CASES:0, TOTAL CASES:1, PEDIGREES:1. ACMG Codes Applied:PVS1, PM2